The following is an entry in ClinVar:

ClinVar aggregate classification (germline): Benign/Likely benign. Review status: criteria provided, multiple submitters, no conflicts (2 of 4 stars). 2 submissions from 2 submitters: Benign (1); Likely benign (1). Last evaluated 2026-06-08.

Conditions:
Pheochromocytoma. Also called: MAX-Related Hereditary Paraganglioma-Pheochromocytoma Syndrome. Identifiers: Orphanet 29072, MedGen C0031511, MONDO:0008233, OMIM 171300, HP:0002666.
Hereditary cancer-predisposing syndrome. Also called: Neoplastic Syndromes, Hereditary; Tumor predisposition; Hereditary Cancer Syndrome; Hereditary neoplastic syndrome. Identifiers: Orphanet 140162, MedGen C0027672, MeSH D009386, MONDO:0015356.

gnomAD v4.1: 3 of 1,613,998 alleles (0.00019%); highest among the groups gnomAD compares: Non-Finnish European, 0.00025%; no homozygotes.

Submissions (2):

Myriad Genetics, Inc.
Classification: Benign for Pheochromocytoma. Last evaluated: 2026-06-08. Review status: criteria provided, single submitter. Criteria: Myriad Autosomal Dominant, Autosomal Recessive and X-Linked Classification Criteria (2023). Collection method: clinical testing. Allele origin: unknown.
Comment: This variant is considered benign. This variant is a silent/synonymous amino acid change and it is not expected to impact splicing.

Ambry Genetics
Classification: Likely benign for Hereditary cancer-predisposing syndrome. Last evaluated: 2024-04-26. Review status: criteria provided, single submitter. Criteria: Ambry Variant Classification Scheme 2023. Collection method: clinical testing. Allele origin: germline.

NM_002382.5(MAX):c.372C>T (p.Thr124=)

Gene: MAX (MYC associated transcriptional regulator X; minus strand). Cytogenetic location: 14q23.3.
Variant type: single nucleotide variant.
Coding change: c.372C>T on transcript NM_002382.5 (MANE Select); coding-DNA position 372, C replaced by T.
Protein change: p.Thr124=; no amino-acid change (threonine 124 retained).
Molecular consequence: synonymous variant. On other transcripts: 3 prime UTR variant (12), non-coding transcript variant (7), intron variant (2).
Genome position (GRCh38, 1-based): chr14:65,076,587, G>A on the plus strand (C>T on the coding strand, the complement: MAX is on the minus strand). VCF-style: chr14-65076587-G-A. GRCh37 (hg19) VCF-style: chr14-65543305-G-A.
Other names: c.183C>T, p.Thr61= (NM_001407106.1, NM_001407107.1, NM_001320415.2 and 1 more transcripts); c.*145C>T (NM_001407108.1, NM_001407096.1, NM_001407099.1 and 2 more transcripts); c.*161C>T (NM_001407109.1, NM_001407110.1, NM_145113.3 and 4 more transcripts); c.171C>T, p.Thr57= (NM_001407111.1, NM_001407112.1); c.345C>T, p.Thr115= (NM_145112.3, NM_001407095.1); c.144+17121C>T (NM_001271069.2); c.171+17121C>T (NM_197957.4); c.372C>T, p.Thr124= (NM_001407094.1); and 1 more.
Identifiers: ClinVar variation 3293482 (VCV003293482.2).